The following is an entry in ClinVar:

ClinVar aggregate classification (germline): Likely benign. Review status: criteria provided, multiple submitters, no conflicts (2 of 4 stars). 3 submissions from 3 submitters: Likely benign (3). Last evaluated 2025-11-15.

Conditions:
Cardiomyopathy (CMYO). Also called: Cardiomyopathies. Identifiers: Orphanet 167848, MedGen C0878544, MONDO:0004994, HP:0001638. Inheritance: Various modes of inheritance.
Hypertrophic cardiomyopathy. Also called: HYPERTROPHIC MYOCARDIOPATHY. Identifiers: Orphanet 217569, MedGen C0007194, MeSH D002312, MONDO:0005045, HP:0001639.

Allele frequency attached by ClinVar (database versions not stated): gnomAD exomes 0.00001 and 0.00002; ExAC 0.00002.
gnomAD v4.1: 13 of 1,614,188 alleles (0.00081%); highest among the groups gnomAD compares: South Asian, 0.012%; no homozygotes.

Submissions (3):

Labcorp Genetics (formerly Invitae), Labcorp
Classification: Likely benign for Hypertrophic cardiomyopathy. Last evaluated: 2025-11-15. Review status: criteria provided, single submitter. Criteria: Invitae Variant Classification Sherloc (09022015). Collection method: clinical testing. Allele origin: germline.

All of Us Research Program, National Institutes of Health
Classification: Likely benign for Cardiomyopathy. Last evaluated: 2023-05-16. Review status: criteria provided, single submitter. Criteria: ACMG Guidelines, 2015. Collection method: clinical testing. Allele origin: germline. Inheritance: Autosomal dominant inheritance. Observed: 1 variant allele, 1 heterozygote.
Comment: This study involves interpretation of variants in research participants for the purpose of population health screening. Participant phenotype was not available at the time of variant classification. Additional details can be found in publication PMID: 35346344, PMCID: PMC8962531

Color Diagnostics, LLC DBA Color Health
Classification: Likely benign for Cardiomyopathy. Last evaluated: 2018-10-16. Review status: criteria provided, single submitter. Criteria: ACMG Guidelines, 2015. Collection method: clinical testing. Allele origin: germline.

NM_000257.4(MYH7):c.4834C>T (p.Leu1612=)

Genes: MHRT (myosin heavy chain associated RNA transcript; plus strand), MYH7 (myosin heavy chain 7; minus strand), LOC126861897 (BRD4-independent group 4 enhancer GRCh37_chr14:23884455-23885654; plus strand). Cytogenetic location: 14q11.2.
Variant type: single nucleotide variant.
Coding change: c.4834C>T on transcript NM_000257.4 (MANE Select); coding-DNA position 4834, C replaced by T.
Protein change: p.Leu1612=; no amino-acid change (leucine 1612 retained).
Molecular consequence: synonymous variant. On other transcripts: non-coding transcript variant (1).
Genome position (GRCh38, 1-based): chr14:23,416,123, G>A on the plus strand (C>T on the coding strand, the complement: MYH7 is on the minus strand). VCF-style: chr14-23416123-G-A. GRCh37 (hg19) VCF-style: chr14-23885332-G-A.
Identifiers: ClinVar variation 629567 (VCV000629567.11), dbSNP rs397516229, ClinGen allele CA044032.
Genomic context (GRCh38, chr14:23,416,123, plus strand): 5'-CGTGGCTGAGCTGGATCTCCATCTCATTGAGGTCTCCTTCCATCTTCTTCTTCACCCTCA[G>A]GGCCTCGTTGCGGCTGCGTGTCTCTGCGTCCAGGGAGGTCTGCAGCGAGTCCACCACCCG-3'
Protein context (NP_000248.2, residues 1602-1622): DAETRSRNEA[Leu1612=]RVKKKMEGDL